The following is an entry in ClinVar:

NM_004360.5(CDH1):c.765G>A (p.Gln255=)

Gene: CDH1 (cadherin 1; plus strand). Cytogenetic location: 16q22.1.
Variant type: single nucleotide variant.
Coding change: c.765G>A on transcript NM_004360.5 (MANE Select); coding-DNA position 765, G replaced by A.
Protein change: p.Gln255=; no amino-acid change (glutamine 255 retained).
Molecular consequence: synonymous variant. On other transcripts: 5 prime UTR variant (2).
Genome position (GRCh38, 1-based): chr16:68,810,274, G>A. VCF-style: chr16-68810274-G-A. GRCh37 (hg19) VCF-style: chr16-68844177-G-A.
Other names: c.765G>A, p.Gln255= (NM_001317184.2); c.-851G>A (NM_001317185.2); c.-1055G>A (NM_001317186.2).
Identifiers: ClinVar variation 3378420 (VCV003378420.1).
Genomic context (GRCh38, chr16:68,810,274, plus strand): 5'-GTCATCCAACGGGAATGCAGTTGAGGATCCAATGGAGATTTTGATCACGGTAACCGATCA[G>A]AATGACAACAAGCCCGAATTCACCCAGGAGGTCTTTAAGGGGTCTGTCATGGAAGGTGCT-3'
Protein context (NP_004351.1, residues 245-265): PMEILITVTD[Gln255=]NDNKPEFTQE

ClinVar aggregate classification (germline): Benign (1 of 4 stars; one submission).

Conditions:
Hereditary diffuse gastric adenocarcinoma (HDGC). Also called: DIFFUSE GASTRIC AND LOBULAR BREAST CANCER SYNDROME. Identifiers: Orphanet 26106, MedGen C1708349, MONDO:0007648, OMIM 137215.

Submission:

Myriad Genetics, Inc.
Classification: Benign for Hereditary diffuse gastric adenocarcinoma. Last evaluated: 2024-09-16. Review status: criteria provided, single submitter. Criteria: Myriad Autosomal Dominant, Autosomal Recessive and X-Linked Classification Criteria (2023). Collection method: clinical testing. Allele origin: unknown.
Comment: This variant is considered benign. This variant is a silent/synonymous amino acid change and it is not expected to impact splicing.